The following is an entry in ClinVar:

NM_001365088.1(SLC12A6):c.1760G>A (p.Ser587Asn)

Gene: SLC12A6 (solute carrier family 12 member 6; minus strand). Cytogenetic location: 15q14.
Variant type: single nucleotide variant.
Coding change: c.1760G>A on transcript NM_001365088.1 (MANE Select); coding-DNA position 1760, G replaced by A.
Protein change: p.Ser587Asn; replaces serine 587 with asparagine.
Molecular consequence: missense variant.
Genome position (GRCh38, 1-based): chr15:34,245,757, C>T on the plus strand (G>A on the coding strand, the complement: SLC12A6 is on the minus strand). VCF-style: chr15-34245757-C-T. GRCh37 (hg19) VCF-style: chr15-34537958-C-T.
Other names: c.1583G>A, p.Ser528Asn (NM_001042494.2, NM_001042495.2); c.1733G>A, p.Ser578Asn (NM_001042496.2); c.1715G>A, p.Ser572Asn (NM_001042497.2); c.1607G>A, p.Ser536Asn (NM_005135.2); c.1760G>A, p.Ser587Asn (NM_133647.2); short protein forms S536N, S587N, S528N, S572N, S578N.
Identifiers: ClinVar variation 3024047 (VCV003024047.3), dbSNP rs749058767, ClinGen allele CA7464227.

ClinVar aggregate classification (germline): Uncertain significance (1 of 4 stars; one submission).

Allele frequency attached by ClinVar (database versions not stated): ExAC 0.00001; gnomAD exomes 0.00001.
gnomAD v4.1: 11 of 1,613,914 alleles (0.00068%); highest among the groups gnomAD compares: Non-Finnish European, 0.00093%; no homozygotes.

Submission:

Labcorp Genetics (formerly Invitae), Labcorp
Classification: Uncertain significance. Last evaluated: 2023-03-31. Review status: criteria provided, single submitter. Criteria: Invitae Variant Classification Sherloc (09022015). Collection method: clinical testing. Allele origin: germline.
Comment: Advanced modeling of protein sequence and biophysical properties (such as structural, functional, and spatial information, amino acid conservation, physicochemical variation, residue mobility, and thermodynamic stability) performed at Invitae indicates that this missense variant is expected to disrupt SLC12A6 protein function. In summary, the available evidence is currently insufficient to determine the role of this variant in disease. Therefore, it has been classified as a Variant of Uncertain Significance. This variant has not been reported in the literature in individuals affected with SLC12A6-related conditions. This variant is present in population databases (rs749058767, gnomAD 0.0009%). This sequence change replaces serine, which is neutral and polar, with asparagine, which is neutral and polar, at codon 587 of the SLC12A6 protein (p.Ser587Asn).